The following is an entry in ClinVar:

NM_004113.6(FGF12):c.229-6del

Gene: FGF12 (fibroblast growth factor 12; minus strand). Cytogenetic location: 3q28.
Variant type: Deletion.
Coding change: c.229-6del on transcript NM_004113.6 (MANE Select); 6 bases into the intron before coding-DNA position 229, one base deleted (C; older notation c.229-6delC).
Molecular consequence: intron variant.
Genome position (GRCh38, 1-based): chr3:192,170,662, G deleted on the plus strand (C on the coding strand, the reverse complement: FGF12 is on the minus strand); the first of 2 consecutive G bases (chr3:192,170,662-192,170,663); deleting either gives the same sequence. VCF-style (leftmost placement, unchanged base first): chr3-192170661-AG-A. GRCh37 (hg19) VCF-style: chr3-191888450-AG-A.
Other names: c.415-6delC (NM_021032.4); c.157-6del (NM_001377293.1, NM_001377294.1); c.118-6del (NM_001377292.1); c.415-6del (NM_021032.5).
Identifiers: ClinVar variation 766799 (VCV000766799.32), dbSNP rs201478014, ClinGen allele CA2755751.

ClinVar aggregate classification (germline): Benign/Likely benign. Review status: criteria provided, multiple submitters, no conflicts (2 of 4 stars). 3 submissions from 3 submitters: Benign (2); Likely benign (1). Last evaluated 2024-11-18.

Submissions (3):

Labcorp Genetics (formerly Invitae), Labcorp
Classification: Benign. Last evaluated: 2024-11-18. Review status: criteria provided, single submitter. Criteria: Invitae Variant Classification Sherloc (09022015). Collection method: clinical testing. Allele origin: germline.

Blueprint Genetics
Classification: Likely benign. Last evaluated: 2023-12-14. Review status: criteria provided, single submitter. Criteria: ACMG Guidelines, 2015. Collection method: clinical testing. Allele origin: germline.

CeGaT Center for Human Genetics Tuebingen
Classification: Benign. Last evaluated: 2022-09-01. Review status: criteria provided, single submitter. Criteria: CeGaT Center For Human Genetics Tuebingen Variant Classification Criteria Version 2. Collection method: clinical testing. Allele origin: germline. Affected: yes. Observed: 1 variant allele.
Comment: FGF12: BP4, BS1, BS2